The following is an entry in ClinVar:

NM_001364905.1(LRBA):c.4371G>T (p.Glu1457Asp)

Gene: LRBA (LPS responsive beige-like anchor protein; minus strand). Cytogenetic location: 4q31.3.
Variant type: single nucleotide variant.
Coding change: c.4371G>T on transcript NM_001364905.1 (MANE Select); coding-DNA position 4371, G replaced by T.
Protein change: p.Glu1457Asp; replaces glutamic acid 1457 with aspartic acid.
Molecular consequence: missense variant.
Genome position (GRCh38, 1-based): chr4:150,844,748, C>A on the plus strand (G>T on the coding strand, the complement: LRBA is on the minus strand). VCF-style: chr4-150844748-C-A. GRCh37 (hg19) VCF-style: chr4-151765900-C-A.
Other names: c.4371G>T, p.Glu1457Asp (NM_001199282.3, NM_001367550.1, NM_006726.5); short protein forms E1457D.
Identifiers: ClinVar variation 659540 (VCV000659540.8), dbSNP rs759579204, ClinGen allele CA358450977.
Genomic context (GRCh38, chr4:150,844,748, plus strand): 5'-GCTATGCATTGGTTTCAAGGCTTTATCTCCCCTAGTTTTCAGTTGTGAATGCTGTTGACA[C>A]TCCAAGCAATTCCTTACTGCGACTGCACAAACTGTAATTTATTTTAAGGAAAAGATAGGG-3'
Protein context (NP_001351834.1, residues 1447-1467): VCAVAVRNCL[Glu1457Asp]CQQHSQLKTR

ClinVar aggregate classification (germline): Uncertain significance (1 of 4 stars; one submission).

Conditions:
Combined immunodeficiency due to LRBA deficiency. Also called: Common variable immunodeficiency 8, with autoimmunity. Identifiers: Orphanet 445018, MedGen C3553512, MONDO:0013863, OMIM 614700.

gnomAD v4.1: 7 of 1,613,194 alleles (0.00043%); highest among the groups gnomAD compares: Non-Finnish European, 0.00059%; no homozygotes.

Submission:

Labcorp Genetics (formerly Invitae), Labcorp
Classification: Uncertain significance for Combined immunodeficiency due to LRBA deficiency. Last evaluated: 2026-01-15. Review status: criteria provided, single submitter. Criteria: Invitae Variant Classification Sherloc (09022015). Collection method: clinical testing. Allele origin: germline.
Comment: This sequence change replaces glutamic acid, which is acidic and polar, with aspartic acid, which is acidic and polar, at codon 1457 of the LRBA protein (p.Glu1457Asp). This variant is not present in population databases (gnomAD no frequency). This variant has not been reported in the literature in individuals affected with LRBA-related conditions. ClinVar contains an entry for this variant (Variation ID: 659540). Invitae Evidence Modeling of protein sequence and biophysical properties (such as structural, functional, and spatial information, amino acid conservation, physicochemical variation, residue mobility, and thermodynamic stability) indicates that this missense variant is not expected to disrupt LRBA protein function with a negative predictive value of 80%. In summary, the available evidence is currently insufficient to determine the role of this variant in disease. Therefore, it has been classified as a Variant of Uncertain Significance.